The following is an entry in ClinVar:

ClinVar aggregate classification (germline): Uncertain significance (1 of 4 stars; one submission).

Conditions:
Hereditary hemorrhagic telangiectasia (HHT). Also called: ORW DISEASE; Osler Weber Rendu syndrome; OSLER-RENDU-WEBER DISEASE; Osler hemorrhagic telangiectasia syndrome. Identifiers: Orphanet 774, MedGen C0039445, MONDO:0019180. Disease mechanism: loss of function.

Submission:

Labcorp Genetics (formerly Invitae), Labcorp
Classification: Uncertain significance for Hereditary hemorrhagic telangiectasia. Last evaluated: 2025-01-30. Review status: criteria provided, single submitter. Criteria: Invitae Variant Classification Sherloc (09022015). Collection method: clinical testing. Allele origin: germline.
Comment: This sequence change falls in intron 3 of the ENG gene. It does not directly change the encoded amino acid sequence of the ENG protein. It affects a nucleotide within the consensus splice site. This variant is not present in population databases (gnomAD no frequency). This variant has not been reported in the literature in individuals affected with ENG-related conditions. Variants that disrupt the consensus splice site are a relatively common cause of aberrant splicing (PMID: 17576681, 9536098). Algorithms developed to predict the effect of sequence changes on RNA splicing suggest that this variant may disrupt the consensus splice site. In summary, the available evidence is currently insufficient to determine the role of this variant in disease. Therefore, it has been classified as a Variant of Uncertain Significance.

Literature cited by the submitters: PubMed 17576681; PubMed 9536098.

NM_001114753.3(ENG):c.361-3C>G

Gene: ENG (endoglin; minus strand). Cytogenetic location: 9q34.11.
Variant type: single nucleotide variant.
Coding change: c.361-3C>G on transcript NM_001114753.3 (MANE Select); 3 bases into the intron before coding-DNA position 361, C replaced by G.
Molecular consequence: intron variant.
Genome position (GRCh38, 1-based): chr9:127,826,675, G>C on the plus strand (C>G on the coding strand, the complement: ENG is on the minus strand). VCF-style: chr9-127826675-G-C. GRCh37 (hg19) VCF-style: chr9-130588954-G-C.
Other names: c.361-3C>G (NM_000118.4, NM_001406715.1); c.-186-3C>G (NM_001278138.2).
Identifiers: ClinVar variation 3729848 (VCV003729848.2).